The following is an entry in ClinVar:

ClinVar aggregate classification (germline): Uncertain significance (1 of 4 stars; one submission).

gnomAD v4.1: 1 of 1,513,120 alleles (0.000066%); highest among the groups gnomAD compares: East Asian, 0.0026%; no homozygotes.

Submission:

Ambry Genetics
Classification: Uncertain significance. Last evaluated: 2025-06-07. Review status: criteria provided, single submitter. Criteria: Ambry Variant Classification Scheme 2023. Collection method: clinical testing. Allele origin: germline.
Comment: The p.L65V variant (also known as c.193C>G), located in coding exon 1 of the EGLN1 gene, results from a C to G substitution at nucleotide position 193. The leucine at codon 65 is replaced by valine, an amino acid with highly similar properties. This amino acid position is conserved. In addition, this alteration is predicted to be tolerated by in silico analysis. Since supporting evidence is limited at this time, the clinical significance of this alteration remains unclear.

NM_022051.3(EGLN1):c.193C>G (p.Leu65Val)

Gene: EGLN1 (egl-9 family hypoxia inducible factor 1; minus strand). Cytogenetic location: 1q42.2.
Variant type: single nucleotide variant.
Coding change: c.193C>G on transcript NM_022051.3 (MANE Select); coding-DNA position 193, C replaced by G.
Protein change: p.Leu65Val; replaces leucine 65 with valine.
Molecular consequence: missense variant.
Genome position (GRCh38, 1-based): chr1:231,421,696, G>C on the plus strand (C>G on the coding strand, the complement: EGLN1 is on the minus strand). VCF-style: chr1-231421696-G-C. GRCh37 (hg19) VCF-style: chr1-231557442-G-C.
Other names: c.193C>G, p.Leu65Val (NM_001377260.1, NM_001377261.1); short protein forms L65V.
Identifiers: ClinVar variation 2562041 (VCV002562041.3), dbSNP rs1656623177, ClinGen allele CA345238680.